The following is an entry in ClinVar:

ClinVar aggregate classification (germline): Pathogenic (1 of 4 stars; one submission).

Conditions:
Intellectual disability, X-linked 102 (MRXSSB). Also called: Intellectual developmental disorder, X-linked syndromic, Snijders Blok type. Identifiers: Orphanet 457260, MedGen C5393299, MONDO:0010497, OMIM 300958.

Submission:

Institute of Human Genetics, University of Leipzig Medical Center
Classification: Pathogenic for Intellectual disability, X-linked 102. Last evaluated: 2022-05-27. Review status: criteria provided, single submitter. Criteria: ACMG Guidelines, 2015. Collection method: clinical testing. Allele origin: de novo. Affected: yes.
Comment: This variant was identified as de novo (maternity and paternity confirmed)._x000D_ Criteria applied: PVS1, PM2_SUP, PS2_MOD

NM_001356.5(DDX3X):c.207T>G (p.Tyr69Ter)

Gene: DDX3X (DEAD-box helicase 3 X-linked; plus strand). Cytogenetic location: Xp11.4.
Variant type: single nucleotide variant.
Coding change: c.207T>G on transcript NM_001356.5 (MANE Select); coding-DNA position 207, T replaced by G.
Protein change: p.Tyr69Ter; replaces tyrosine 69 with a stop codon.
Molecular consequence: nonsense. On other transcripts: 5 prime UTR variant (1), non-coding transcript variant (1).
Genome position (GRCh38, 1-based): chrX:41,341,539, T>G. VCF-style: chrX-41341539-T-G. GRCh37 (hg19) VCF-style: chrX-41200792-T-G.
Other names: c.207T>G, p.Tyr69Ter (NM_001193416.3); c.159T>G, p.Tyr53Ter (NM_001193417.3); c.-352T>G (NM_001363819.1); short protein forms Y53*, Y69*.
Identifiers: ClinVar variation 1325856 (VCV001325856.2), dbSNP rs2147348697, ClinGen allele CA412764889.